The following is an entry in ClinVar:

ClinVar aggregate classification (germline): Conflicting classifications of pathogenicity. Review status: criteria provided, conflicting classifications (1 of 4 stars). 5 submissions from 5 submitters: Uncertain significance (3); Likely benign (2). Last evaluated 2025-09-01.

Conditions:
Sulfite oxidase deficiency due to molybdenum cofactor deficiency type B1 (MOCODB1). Also called: Molybdenum cofactor deficiency B; Molybdenum cofactor deficiency, complementation group B; MOLYBDENUM COFACTOR DEFICIENCY, TYPE B1; Sulfite oxidase deficiency due to molybdenum cofactor deficiency type B. Identifiers: Orphanet 308393, Orphanet 833, MedGen C6065887, MONDO:0009644, OMIM 252160.

Allele frequency attached by ClinVar (database versions not stated): 1000 Genomes Project 0.00020; 1000 Genomes Project 30x 0.00031; ExAC 0.00056; TOPMed 0.00056; gnomAD exomes 0.00058 and 0.00100; gnomAD 0.00062 and 0.00064; ESP Exome Variant Server 0.00077.
gnomAD v4.1: 1,524 of 1,611,770 alleles (0.095%); highest among the groups gnomAD compares: Non-Finnish European, 0.12%; 2 homozygotes.

Submissions (5):

CeGaT Center for Human Genetics Tuebingen
Classification: Likely benign. Last evaluated: 2025-09-01. Review status: criteria provided, single submitter. Criteria: CeGaT Center For Human Genetics Tuebingen Variant Classification Criteria Version 2. Collection method: clinical testing. Allele origin: germline. Affected: yes. Observed: 4 variant alleles.
Comment: MOCS2: BP4

Blueprint Genetics
Classification: Likely benign. Last evaluated: 2024-07-11. Review status: criteria provided, single submitter. Criteria: ACMG Guidelines, 2015. Collection method: clinical testing. Allele origin: germline.

Revvity Omics, Revvity
Classification: Uncertain significance for Sulfite oxidase deficiency due to molybdenum cofactor deficiency type B1. Last evaluated: 2023-12-19. Review status: criteria provided, single submitter. Criteria: ACMG Guidelines, 2015. Collection method: clinical testing. Allele origin: germline.

Labcorp Genetics (formerly Invitae), Labcorp
Classification: Uncertain significance. Last evaluated: 2022-10-13. Review status: criteria provided, single submitter. Criteria: Invitae Variant Classification Sherloc (09022015). Collection method: clinical testing. Allele origin: germline.
Comment: This sequence change replaces methionine, which is neutral and non-polar, with isoleucine, which is neutral and non-polar, at codon 36 of the MOCS2B protein (p.Met36Ile). This variant is present in population databases (rs140563222, gnomAD 0.1%), and has an allele count higher than expected for a pathogenic variant. This variant has not been reported in the literature in individuals affected with MOCS2B-related conditions. ClinVar contains an entry for this variant (Variation ID: 493409). Algorithms developed to predict the effect of missense changes on protein structure and function output the following: SIFT: "Tolerated"; PolyPhen-2: "Benign"; Align-GVGD: "Class C0". The isoleucine amino acid residue is found in multiple mammalian species, which suggests that this missense change does not adversely affect protein function. In summary, the available evidence is currently insufficient to determine the role of this variant in disease. Therefore, it has been classified as a Variant of Uncertain Significance.

Fulgent Genetics
Classification: Uncertain significance for Sulfite oxidase deficiency due to molybdenum cofactor deficiency type B1. Last evaluated: 2018-10-31. Review status: criteria provided, single submitter. Criteria: ACMG Guidelines, 2015. Collection method: clinical testing. Allele origin: unknown.

NM_004531.5(MOCS2):c.108G>A (p.Met36Ile)

Gene: MOCS2 (molybdenum cofactor synthesis 2; minus strand). Cytogenetic location: 5q11.2.
Variant type: single nucleotide variant.
Coding change: c.108G>A on transcript NM_004531.5 (MANE Select); coding-DNA position 108, G replaced by A.
Protein change: p.Met36Ile; replaces methionine 36 with isoleucine.
Molecular consequence: missense variant. On other transcripts: 3 prime UTR variant (1).
Genome position (GRCh38, 1-based): chr5:53,102,215, C>T on the plus strand (G>A on the coding strand, the complement: MOCS2 is on the minus strand). VCF-style: chr5-53102215-C-T. GRCh37 (hg19) VCF-style: chr5-52398045-C-T.
Other names: c.*28G>A (NM_176806.4); short protein forms M36I.
Identifiers: ClinVar variation 493409 (VCV000493409.50), dbSNP rs140563222, ClinGen allele CA3263714.